The following is an entry in ClinVar:

ClinVar aggregate classification (germline): Uncertain significance. Review status: criteria provided, multiple submitters, no conflicts (2 of 4 stars). 4 submissions from 4 submitters: Uncertain significance (4). Last evaluated 2025-06-30.

Conditions:
Colorectal cancer. Also called: Colorectal cancer, somatic; Malignant Colorectal Neoplasm. Identifiers: MedGen C0346629, MONDO:0005575, OMIM 114500.
Oligodontia-cancer predisposition syndrome. Also called: TOOTH AGENESIS-COLORECTAL CANCER SYNDROME. Identifiers: Orphanet 300576, MedGen C1837750, MONDO:0012075, OMIM 608615. Disease mechanism: loss of function.
Hereditary cancer-predisposing syndrome. Also called: Hereditary neoplastic syndrome; Tumor predisposition; Neoplastic Syndromes, Hereditary; Hereditary Cancer Syndrome. Identifiers: Orphanet 140162, MedGen C0027672, MeSH D009386, MONDO:0015356.

Allele frequency attached by ClinVar (database versions not stated): TOPMed 0.00001.
gnomAD v4.1: 10 of 1,614,032 alleles (0.00062%); highest among the groups gnomAD compares: South Asian, 0.0011%; no homozygotes.

Submissions (4):

Labcorp Genetics (formerly Invitae), Labcorp
Classification: Uncertain significance for Oligodontia-cancer predisposition syndrome. Last evaluated: 2025-06-30. Review status: criteria provided, single submitter. Criteria: Invitae Variant Classification Sherloc (09022015). Collection method: clinical testing. Allele origin: germline.
Comment: This sequence change replaces arginine, which is basic and polar, with glutamine, which is neutral and polar, at codon 538 of the AXIN2 protein (p.Arg538Gln). This variant is not present in population databases (gnomAD no frequency). This variant has not been reported in the literature in individuals affected with AXIN2-related conditions. ClinVar contains an entry for this variant (Variation ID: 419275). Invitae Evidence Modeling of protein sequence and biophysical properties (such as structural, functional, and spatial information, amino acid conservation, physicochemical variation, residue mobility, and thermodynamic stability) indicates that this missense variant is expected to disrupt AXIN2 protein function with a positive predictive value of 80%. In summary, the available evidence is currently insufficient to determine the role of this variant in disease. Therefore, it has been classified as a Variant of Uncertain Significance.

Ambry Genetics
Classification: Uncertain significance for Hereditary cancer-predisposing syndrome. Last evaluated: 2025-06-25. Review status: criteria provided, single submitter. Criteria: Ambry Variant Classification Scheme 2023. Collection method: clinical testing. Allele origin: germline.
Comment: The p.R538Q variant (also known as c.1613G>A), located in coding exon 5 of the AXIN2 gene, results from a G to A substitution at nucleotide position 1613. The arginine at codon 538 is replaced by glutamine, an amino acid with highly similar properties. This amino acid position is well conserved in available vertebrate species. In addition, this alteration is predicted to be tolerated by in silico analysis. Based on the available evidence, the clinical significance of this variant remains unclear.

Fulgent Genetics
Classification: Uncertain significance for Colorectal cancer; Oligodontia-cancer predisposition syndrome. Last evaluated: 2024-04-10. Review status: criteria provided, single submitter. Criteria: ACMG Guidelines, 2015. Collection method: clinical testing. Allele origin: germline.

GeneDx
Classification: Uncertain significance. Last evaluated: 2019-11-14. Review status: criteria provided, single submitter. Criteria: GeneDx Variant Classification Process June 2021. Collection method: clinical testing. Allele origin: germline. Affected: yes.
Comment: Not observed in large population cohorts (Lek 2016); In silico analysis, which includes protein predictors and evolutionary conservation, supports that this variant does not alter protein structure/function; Has not been previously published as a pathogenic or benign germline variant to our knowledge; This variant is associated with the following publications: (PMID: 25583476)

NM_004655.4(AXIN2):c.1613G>A (p.Arg538Gln)

Gene: AXIN2 (axin 2; minus strand). Cytogenetic location: 17q24.1.
Variant type: single nucleotide variant.
Coding change: c.1613G>A on transcript NM_004655.4 (MANE Select); coding-DNA position 1613, G replaced by A.
Protein change: p.Arg538Gln; replaces arginine 538 with glutamine.
Molecular consequence: missense variant.
Genome position (GRCh38, 1-based): chr17:65,537,423, C>T on the plus strand (G>A on the coding strand, the complement: AXIN2 is on the minus strand). VCF-style: chr17-65537423-C-T. GRCh37 (hg19) VCF-style: chr17-63533541-C-T.
Other names: c.1613G>A, p.Arg538Gln (NM_001363813.1); c.1613G>A (LRG_296t1); short protein forms R538Q.
Identifiers: ClinVar variation 419275 (VCV000419275.16), dbSNP rs1064793764, ClinGen allele CA16620567.